The following is an entry in ClinVar:

NM_001371928.1(AHDC1):c.142C>T (p.Pro48Ser)

Gene: AHDC1 (AT-hook DNA binding motif containing 1; minus strand). Cytogenetic location: 1p36.11.
Variant type: single nucleotide variant.
Coding change: c.142C>T on transcript NM_001371928.1 (MANE Select); coding-DNA position 142, C replaced by T.
Protein change: p.Pro48Ser; replaces proline 48 with serine.
Molecular consequence: missense variant.
Genome position (GRCh38, 1-based): chr1:27,551,974, G>A on the plus strand (C>T on the coding strand, the complement: AHDC1 is on the minus strand). VCF-style: chr1-27551974-G-A. GRCh37 (hg19) VCF-style: chr1-27878485-G-A.
Other names: c.142C>T, p.Pro48Ser (NM_001029882.3); short protein forms P48S.
Identifiers: ClinVar variation 3277068 (VCV003277068.3).
Genomic context (GRCh38, chr1:27,551,974, plus strand): 5'-CCCGGCGTGGGGGTGGGCGTGGGTTCTCGGAGAAGGCGTGGGTGGAGAAGGCCTTGTCAG[G>A]TGGGCTGGCAGGGGGCCGGGTGGGAAGCAGGGGCCGGGGGGTGGGGGGGCCGCCGGGGTA-3'
Protein context (NP_001358857.1, residues 38-58): LLPTRPPASP[Pro48Ser]DKAFSTHAFS

ClinVar aggregate classification (germline): Uncertain significance. Review status: criteria provided, multiple submitters, no conflicts (2 of 4 stars). 2 submissions from 2 submitters: Uncertain significance (2). Last evaluated 2024-05-03.

Conditions:
Inborn genetic diseases. Identifiers: MedGen C0950123, MeSH D030342.

gnomAD v4.1: 2 of 1,504,004 alleles (0.00013%); highest among the groups gnomAD compares: African/African-American, 0.0014%; no homozygotes.

Submissions (2):

Labcorp Genetics (formerly Invitae), Labcorp
Classification: Uncertain significance. Last evaluated: 2024-05-03. Review status: criteria provided, single submitter. Criteria: Invitae Variant Classification Sherloc (09022015). Collection method: clinical testing. Allele origin: germline.
Comment: This sequence change replaces proline, which is neutral and non-polar, with serine, which is neutral and polar, at codon 48 of the AHDC1 protein (p.Pro48Ser). This variant is not present in population databases (gnomAD no frequency). This variant has not been reported in the literature in individuals affected with AHDC1-related conditions. An algorithm developed to predict the effect of missense changes on protein structure and function (PolyPhen-2) suggests that this variant is likely to be disruptive. In summary, the available evidence is currently insufficient to determine the role of this variant in disease. Therefore, it has been classified as a Variant of Uncertain Significance.

Ambry Genetics
Classification: Uncertain significance for Inborn genetic diseases. Last evaluated: 2024-04-19. Review status: criteria provided, single submitter. Criteria: Ambry Variant Classification Scheme 2023. Collection method: clinical testing. Allele origin: germline.